The following is an entry in ClinVar:

NM_000038.6(APC):c.4034A>G (p.Glu1345Gly)

Gene: APC (APC regulator of Wnt signaling pathway; plus strand). Cytogenetic location: 5q22.2.
Variant type: single nucleotide variant.
Coding change: c.4034A>G on transcript NM_000038.6 (MANE Select); coding-DNA position 4034, A replaced by G.
Protein change: p.Glu1345Gly; replaces glutamic acid 1345 with glycine.
Molecular consequence: missense variant.
Genome position (GRCh38, 1-based): chr5:112,839,628, A>G. VCF-style: chr5-112839628-A-G. GRCh37 (hg19) VCF-style: chr5-112175325-A-G.
Other names: c.4034A>G, p.Glu1345Gly (NM_001127510.3, NM_001354895.2, NM_001407450.1); c.3980A>G, p.Glu1327Gly (NM_001127511.3); c.4088A>G, p.Glu1363Gly (NM_001354896.2, NM_001407447.1, NM_001407448.1 and 1 more transcripts); c.4064A>G, p.Glu1355Gly (NM_001354897.2); c.3959A>G, p.Glu1320Gly (NM_001354898.2); c.3950A>G, p.Glu1317Gly (NM_001354899.2); c.3911A>G, p.Glu1304Gly (NM_001354900.2); c.3857A>G, p.Glu1286Gly (NM_001354901.2, NM_001407453.1); and 12 more; short protein forms E1062G, E1185G, E1216G, E1219G, E1244G, E1254G, E1262G, E1286G.
Identifiers: ClinVar variation 1717423 (VCV001717423.8), dbSNP rs2149904634, ClinGen allele CA16030174.

ClinVar aggregate classification (germline): Uncertain significance. Review status: criteria provided, multiple submitters, no conflicts (2 of 4 stars). 3 submissions from 3 submitters: Uncertain significance (3). Last evaluated 2025-09-23.

Conditions:
Hereditary cancer-predisposing syndrome. Also called: Hereditary neoplastic syndrome; Neoplastic Syndromes, Hereditary; Hereditary Cancer Syndrome; Tumor predisposition. Identifiers: Orphanet 140162, MedGen C0027672, MeSH D009386, MONDO:0015356.
Familial adenomatous polyposis 1 (FAP1). Also called: FAMILIAL ADENOMATOUS POLYPOSIS 1, ATTENUATED; POLYPOSIS, ADENOMATOUS INTESTINAL. Identifiers: MedGen C2713442, MONDO:0021056, OMIM 175100. Disease mechanism: loss of function.

Submissions (3):

Color Diagnostics, LLC DBA Color Health
Classification: Uncertain significance for Hereditary cancer-predisposing syndrome. Last evaluated: 2025-09-23. Review status: criteria provided, single submitter. Criteria: ACMG Guidelines, 2015. Collection method: clinical testing. Allele origin: germline.
Comment: This missense variant replaces glutamic acid with glycine at codon 1345 of the APC protein. Computational prediction suggests that this variant may not impact protein structure and function. APC is defined as a gene for which primarily truncating variants are known to cause disease (ClinGen HCCP VCEP). To our knowledge, functional studies have not been reported for this variant. This variant has not been reported in individuals affected with APC-related disorders in the literature. This variant has not been identified in the general population by the Genome Aggregation Database (gnomAD). The available evidence is insufficient to determine the role of this variant in disease conclusively. Therefore, this variant is classified as a Variant of Uncertain Significance.

Ambry Genetics
Classification: Uncertain significance for Hereditary cancer-predisposing syndrome. Last evaluated: 2023-08-24. Review status: criteria provided, single submitter. Criteria: Ambry Variant Classification Scheme 2023. Collection method: clinical testing. Allele origin: germline.
Comment: The p.E1345G variant (also known as c.4034A>G), located in coding exon 15 of the APC gene, results from an A to G substitution at nucleotide position 4034. The glutamic acid at codon 1345 is replaced by glycine, an amino acid with similar properties. This amino acid position is not well conserved in available vertebrate species. In addition, in silico predictors for this gene do not accurately predict pathogenicity. Since supporting evidence is limited at this time, the clinical significance of this alteration remains unclear.

Labcorp Genetics (formerly Invitae), Labcorp
Classification: Uncertain significance for Familial adenomatous polyposis 1. Last evaluated: 2023-03-02. Review status: criteria provided, single submitter. Criteria: Invitae Variant Classification Sherloc (09022015). Collection method: clinical testing. Allele origin: germline.
Comment: This variant has not been reported in the literature in individuals affected with APC-related conditions. ClinVar contains an entry for this variant (Variation ID: 1717423). Advanced modeling of protein sequence and biophysical properties (such as structural, functional, and spatial information, amino acid conservation, physicochemical variation, residue mobility, and thermodynamic stability) performed at Invitae indicates that this missense variant is not expected to disrupt APC protein function. This sequence change replaces glutamic acid, which is acidic and polar, with glycine, which is neutral and non-polar, at codon 1345 of the APC protein (p.Glu1345Gly). This variant is not present in population databases (gnomAD no frequency). In summary, the available evidence is currently insufficient to determine the role of this variant in disease. Therefore, it has been classified as a Variant of Uncertain Significance.